The following is an entry in ClinVar:

NM_015909.4(NBAS):c.451G>A (p.Glu151Lys)

Gene: NBAS (NBAS subunit of NRZ tethering complex; minus strand). Cytogenetic location: 2p24.3.
Variant type: single nucleotide variant.
Coding change: c.451G>A on transcript NM_015909.4 (MANE Select); coding-DNA position 451, G replaced by A.
Protein change: p.Glu151Lys; replaces glutamic acid 151 with lysine.
Molecular consequence: missense variant. On other transcripts: non-coding transcript variant (1).
Genome position (GRCh38, 1-based): chr2:15,539,285, C>T on the plus strand (G>A on the coding strand, the complement: NBAS is on the minus strand). VCF-style: chr2-15539285-C-T. GRCh37 (hg19) VCF-style: chr2-15679409-C-T.
Other names: c.451G>A (NM_015909.2); short protein forms E151K.
Identifiers: ClinVar variation 393230 (VCV000393230.8), dbSNP rs773720172, ClinGen allele CA1537051.
Genomic context (GRCh38, chr2:15,539,285, plus strand): 5'-GGGAAATGACAAAGAGTTCACTTCCCATGAGATCAAACACCCTCACAGTTCCTGTGCTTT[C>T]GGCATAGGCCAGTAGGGTACAATCGTAACTCCATGCTACCCGTCTCCACTGGGGTTTCGG-3'
Protein context (NP_056993.2, residues 141-161): SYDCTLLAYA[Glu151Lys]STGTVRVFDL

ClinVar aggregate classification (germline): Uncertain significance. Review status: criteria provided, multiple submitters, no conflicts (2 of 4 stars). 3 submissions from 3 submitters: Uncertain significance (3). Last evaluated 2024-01-30.

Conditions:
Inborn genetic diseases. Identifiers: MedGen C0950123, MeSH D030342.

Allele frequency attached by ClinVar (database versions not stated): gnomAD 0.00001; gnomAD exomes 0.00001 and 0.00002; ExAC 0.00002; TOPMed 0.00003.
gnomAD v4.1: 20 of 1,614,104 alleles (0.0012%); highest among the groups gnomAD compares: Admixed American, 0.01%; no homozygotes.

Submissions (3):

Labcorp Genetics (formerly Invitae), Labcorp
Classification: Uncertain significance. Last evaluated: 2024-01-30. Review status: criteria provided, single submitter. Criteria: Invitae Variant Classification Sherloc (09022015). Collection method: clinical testing. Allele origin: germline.
Comment: This sequence change replaces glutamic acid, which is acidic and polar, with lysine, which is basic and polar, at codon 151 of the NBAS protein (p.Glu151Lys). This variant is present in population databases (rs773720172, gnomAD 0.01%). This missense change has been observed in individual(s) with clinical features of NBAS-related conditions (PMID: 33542026). ClinVar contains an entry for this variant (Variation ID: 393230). Advanced modeling of protein sequence and biophysical properties (such as structural, functional, and spatial information, amino acid conservation, physicochemical variation, residue mobility, and thermodynamic stability) performed at Invitae indicates that this missense variant is not expected to disrupt NBAS protein function with a negative predictive value of 95%. In summary, the available evidence is currently insufficient to determine the role of this variant in disease. Therefore, it has been classified as a Variant of Uncertain Significance.

Ambry Genetics
Classification: Uncertain significance for Inborn genetic diseases. Last evaluated: 2021-08-17. Review status: criteria provided, single submitter. Criteria: Ambry Variant Classification Scheme 2023. Collection method: clinical testing. Allele origin: germline.

GeneDx
Classification: Uncertain significance. Last evaluated: 2017-01-25. Review status: criteria provided, single submitter. Criteria: GeneDx Variant Classification (06012015). Collection method: clinical testing. Allele origin: germline. Affected: yes.
Comment: The E151K variant in the NBAS gene has not been reported previously as a pathogenic variant, nor as a benignvariant, to our knowledge. This variant was not observed in approximately 6500 individuals of European and AfricanAmerican ancestry in the NHLBI Exome Sequencing Project, indicating it is not a common benign variant in thesepopulations. The E151K variant is a non-conservative amino acid substitution, which is likely to impact secondaryprotein structure as these residues differ in polarity, charge, size and/or other properties. This substitution occurs at aposition where amino acids with similar properties to Glutamic Acid are tolerated across species. In silico analysis isinconsistent in its predictions as to whether or not the variant is damaging to the protein structure/function. Weinterpret E151K as a variant of uncertain significance.

Literature cited by the submitters: PubMed 33542026 (cited by Labcorp Genetics (formerly Invitae), Labcorp).